The following is an entry in ClinVar:

NM_024675.4(PALB2):c.3499A>G (p.Thr1167Ala)

Gene: PALB2 (partner and localizer of BRCA2; minus strand). Cytogenetic location: 16p12.2.
Variant type: single nucleotide variant.
Coding change: c.3499A>G on transcript NM_024675.4 (MANE Select); coding-DNA position 3499, A replaced by G.
Protein change: p.Thr1167Ala; replaces threonine 1167 with alanine.
Molecular consequence: missense variant.
Genome position (GRCh38, 1-based): chr16:23,603,521, T>C on the plus strand (A>G on the coding strand, the complement: PALB2 is on the minus strand). VCF-style: chr16-23603521-T-C. GRCh37 (hg19) VCF-style: chr16-23614842-T-C.
Other names: short protein forms T1167A.
Identifiers: ClinVar variation 640632 (VCV000640632.9), dbSNP rs1597061878, ClinGen allele CA395137906.

ClinVar aggregate classification (germline): Uncertain significance (1 of 4 stars; one submission).

Conditions:
Familial cancer of breast. Also called: BREAST CANCER, FAMILIAL; hereditary breast carcinoma; Hereditary breast cancer. Identifiers: Orphanet 227535, MedGen C0346153, MONDO:0016419, OMIM 114480. Disease mechanism: loss of function.

gnomAD v4.1: 1 of 1,614,094 alleles (0.000062%); no homozygotes.

Submission:

Labcorp Genetics (formerly Invitae), Labcorp
Classification: Uncertain significance for Familial cancer of breast. Last evaluated: 2024-12-17. Review status: criteria provided, single submitter. Criteria: Invitae Variant Classification Sherloc (09022015). Collection method: clinical testing. Allele origin: germline.
Comment: This sequence change replaces threonine, which is neutral and polar, with alanine, which is neutral and non-polar, at codon 1167 of the PALB2 protein (p.Thr1167Ala). This variant is not present in population databases (gnomAD no frequency). This variant has not been reported in the literature in individuals affected with PALB2-related conditions. ClinVar contains an entry for this variant (Variation ID: 640632). An algorithm developed to predict the effect of missense changes on protein structure and function outputs the following: PolyPhen-2: "Benign". The alanine amino acid residue is found in multiple mammalian species, which suggests that this missense change does not adversely affect protein function. In summary, the available evidence is currently insufficient to determine the role of this variant in disease. Therefore, it has been classified as a Variant of Uncertain Significance.